The following is an entry in ClinVar:

ClinVar aggregate classification (germline): Pathogenic/Likely pathogenic. Review status: criteria provided, multiple submitters, no conflicts (2 of 4 stars). 7 submissions from 7 submitters: Pathogenic (3); Likely pathogenic (2). 2 of the submissions do not count toward it. Last evaluated 2025-06-02.

Conditions:
Hyperinsulinemic hypoglycemia, familial, 2. Also called: HYPERINSULINEMIC HYPOGLYCEMIA, PERSISTENT; HYPERINSULINISM, NEONATAL. Identifiers: Orphanet 276580, Orphanet 276603, MedGen C2931833, MONDO:0011153, OMIM 601820. Disease mechanism: loss of function.
Permanent neonatal diabetes mellitus (PNDM). Identifiers: Orphanet 99885, MedGen C1833104, MONDO:0100164, MONDO:0011643. Disease mechanism: gain of function.
Diabetes mellitus, transient neonatal, 3 (TNDM3). Identifiers: Orphanet 99886, MedGen C1864623, MONDO:0012522, OMIM 610582. Disease mechanism: loss of function.
Maturity-onset diabetes of the young type 13. Also called: MODY, TYPE 13. Identifiers: Orphanet 552, MedGen C4225365, MONDO:0014589, OMIM 616329.
Diabetes mellitus, permanent neonatal 2. Also called: KCNJ11-Related Permanent Neonatal Diabetes Mellitus. Identifiers: MedGen C5394296, MONDO:0030087, OMIM 618856.
Type 2 diabetes mellitus. Also called: Type II diabetes mellitus. Identifiers: MedGen C0011860, MeSH D003924, MONDO:0005148, OMIM 125853, HP:0005978.

Submissions (7):

Myriad Genetics, Inc.
Classification: Pathogenic for Hyperinsulinemic hypoglycemia, familial, 2. Last evaluated: 2025-06-02. Review status: criteria provided, single submitter. Criteria: Myriad Autosomal Dominant, Autosomal Recessive and X-Linked Classification Criteria (2023). Collection method: clinical testing. Allele origin: unknown.
Comment: NM_000525.3(KCNJ11):c.405dupG(R136Afs*5) is a frameshift variant classified as pathogenic in the context of familial hyperinsulinism, KCNJ11-related. R136Afs*5 has been observed in cases with relevant disease (PMID: 11395395, 23345197). Relevant functional assessments of this variant are not available in the literature. R136Afs*5 has been observed in referenced population frequency databases. In summary, NM_000525.3(KCNJ11):c.405dupG(R136Afs*5) is a frameshift variant in a gene where loss of function is a known mechanism of disease, is predicted to disrupt protein function, and has been observed more frequently in cases with the relevant disease than in healthy populations. Please note: this variant was assessed in the context of healthy population screening.

Labcorp Genetics (formerly Invitae), Labcorp
Classification: Likely pathogenic. Last evaluated: 2024-02-09. Review status: criteria provided, single submitter. Criteria: Invitae Variant Classification Sherloc (09022015). Collection method: clinical testing. Allele origin: germline.
Comment: This sequence change creates a premature translational stop signal (p.Arg136Alafs*5) in the KCNJ11 gene. While this is not anticipated to result in nonsense mediated decay, it is expected to disrupt the last 255 amino acid(s) of the KCNJ11 protein. This variant is present in population databases (rs557160758, gnomAD 0.004%). This premature translational stop signal has been observed in individuals with autosomal recessive diffuse or paternally inherited focal hyperinsulinism (PMID: 11395395, 22005014, 27181376). This variant has been reported in individual(s) with autosomal dominant familial hyperinsulinism (PMID: 25201519); however, the role of the variant in this condition is currently unclear. ClinVar contains an entry for this variant (Variation ID: 1065989). In summary, the currently available evidence indicates that the variant is pathogenic, but additional data are needed to prove that conclusively. Therefore, this variant has been classified as Likely Pathogenic.

Baylor Genetics
Classification: Pathogenic for Type 2 diabetes mellitus. Last evaluated: 2024-02-02. Review status: criteria provided, single submitter. Criteria: ACMG Guidelines, 2015. Collection method: clinical testing. Allele origin: unknown.

Revvity Omics, Revvity
Classification: Likely pathogenic. Last evaluated: 2021-12-26. Review status: criteria provided, single submitter. Criteria: ACMG Guidelines, 2015. Collection method: clinical testing. Allele origin: germline.

Genetic Services Laboratory, University of Chicago
Classification: Pathogenic. Last evaluated: 2019-03-21. Review status: criteria provided, single submitter. Criteria: ACMG Guidelines, 2015. Collection method: clinical testing. Allele origin: germline. Affected: yes.

Natera, Inc.
Classification: Likely pathogenic for Permanent neonatal diabetes mellitus. Last evaluated: 2020-05-15. Review status: no assertion criteria provided. Collection method: clinical testing. Allele origin: germline. Not counted in ClinVar's aggregate classification.

Department of Pathology and Laboratory Medicine, Sinai Health System
Classification: Uncertain significance for Diabetes mellitus, transient neonatal, 3; Diabetes mellitus, permanent neonatal 2; Hyperinsulinemic hypoglycemia, familial, 2; Maturity-onset diabetes of the young type 13. Last evaluated: 2022-09-19. Review status: flagged submission. Criteria: ACMG Guidelines, 2015. Collection method: research. Allele origin: germline. Not counted in ClinVar's aggregate classification.
ClinVar note: Reason: Outlier claim with insufficient supporting evidence

Literature cited by the submitters: PubMed 11395395 (cited by Myriad Genetics, Inc. and Labcorp Genetics (formerly Invitae), Labcorp); PubMed 23345197 (cited by Myriad Genetics, Inc.); PubMed 22005014 (cited by Labcorp Genetics (formerly Invitae), Labcorp); PubMed 27181376 (cited by Labcorp Genetics (formerly Invitae), Labcorp); PubMed 25201519 (cited by Labcorp Genetics (formerly Invitae), Labcorp).

NM_000525.4(KCNJ11):c.405dup (p.Arg136fs)

Gene: KCNJ11 (potassium inwardly rectifying channel subfamily J member 11; minus strand). Cytogenetic location: 11p15.1.
Variant type: Duplication.
Coding change: c.405dup on transcript NM_000525.4 (MANE Select); coding-DNA position 405, one base duplicated (G; older notation c.405dupG).
Protein change: p.Arg136fs; shifts the reading frame from arginine 136.
Molecular consequence: frameshift variant.
Genome position (GRCh38, 1-based): chr11:17,387,687, C duplicated on the plus strand (G on the coding strand, the reverse complement: KCNJ11 is on the minus strand); the first of 6 consecutive C bases (chr11:17,387,687-17,387,692); duplicating any one gives the same sequence. VCF-style (leftmost placement, unchanged base first): chr11-17387686-G-GC. GRCh37 (hg19) VCF-style: chr11-17409233-G-GC.
Other names: c.144dup, p.Arg49fs (NM_001166290.2, NM_001377296.1, NM_001377297.1); short protein forms R136fs, R49fs.
Identifiers: ClinVar variation 1065989 (VCV001065989.19), dbSNP rs557160758, ClinGen allele CA5902292.